The following is an entry in ClinVar:

ClinVar aggregate classification (germline): Conflicting classifications of pathogenicity. Review status: criteria provided, conflicting classifications (1 of 4 stars). 3 submissions from 3 submitters: Pathogenic (1); Likely pathogenic (1); Uncertain significance (1). Last evaluated 2026-01-01.

Conditions:
Inborn genetic diseases. Identifiers: MedGen C0950123, MeSH D030342.

Submissions (3):

CeGaT Center for Human Genetics Tuebingen
Classification: Likely pathogenic. Last evaluated: 2026-01-01. Review status: criteria provided, single submitter. Criteria: CeGaT Center For Human Genetics Tuebingen Variant Classification Criteria Version 2. Collection method: clinical testing. Allele origin: germline. Affected: yes. Observed: 1 variant allele.
Comment: SLC20A2: PVS1:Strong, PM2

Labcorp Genetics (formerly Invitae), Labcorp
Classification: Pathogenic. Last evaluated: 2025-12-23. Review status: criteria provided, single submitter. Criteria: Invitae Variant Classification Sherloc (09022015). Collection method: clinical testing. Allele origin: germline.
Comment: This sequence change creates a premature translational stop signal (p.Trp616*) in the SLC20A2 gene. While this is not anticipated to result in nonsense mediated decay, it is expected to disrupt the last 37 amino acid(s) of the SLC20A2 protein. This variant is not present in population databases (gnomAD no frequency). This premature translational stop signal has been observed in individuals with primary basal ganglia calcification (PMID: 27777849; internal data). ClinVar contains an entry for this variant (Variation ID: 2019872). Algorithms developed to predict the effect of variants on gene product structure and function are not available or were not evaluated for this variant. Experimental studies have shown that this premature translational stop signal affects SLC20A2 function (PMID: 30704756). This variant disrupts a region of the SLC20A2 protein in which other variant(s) (p.Ser637Arg) have been observed in individuals with SLC20A2-related conditions (PMID: 24463626). This suggests that this is a clinically significant region of the protein, and that variants that disrupt it are likely to be disease-causing. For these reasons, this variant has been classified as Pathogenic.

Ambry Genetics
Classification: Uncertain significance for Inborn genetic diseases. Last evaluated: 2025-07-22. Review status: criteria provided, single submitter. Criteria: Ambry Variant Classification Scheme 2023. Collection method: clinical testing. Allele origin: germline.
Comment: The c.1847G>A (p.W616*) alteration, located in exon 11 (coding exon 10) of the SLC20A2 gene, consists of a G to A substitution at nucleotide position 1847. This changes the amino acid from a tryptophan (W) to a stop codon at amino acid position 616. This variant is not expected to trigger nonsense-mediated mRNA decay, and impacts the last 5.7% of the protein. The exact functional effect of this alteration is unknown. This variant was not reported in population-based cohorts in the Genome Aggregation Database (gnomAD). Based on insufficient or conflicting evidence, the clinical significance of this alteration remains unclear.

Literature cited by the submitters: PubMed 27777849 (cited by Labcorp Genetics (formerly Invitae), Labcorp and Ambry Genetics); PubMed 30704756 (cited by Labcorp Genetics (formerly Invitae), Labcorp); PubMed 24463626 (cited by Labcorp Genetics (formerly Invitae), Labcorp).

NM_001257180.2(SLC20A2):c.1847G>A (p.Trp616Ter)

Gene: SLC20A2 (solute carrier family 20 member 2; minus strand). Cytogenetic location: 8p11.21.
Variant type: single nucleotide variant.
Coding change: c.1847G>A on transcript NM_001257180.2 (MANE Select); coding-DNA position 1847, G replaced by A.
Protein change: p.Trp616Ter; replaces tryptophan 616 with a stop codon.
Molecular consequence: nonsense.
Genome position (GRCh38, 1-based): chr8:42,417,915, C>T on the plus strand (G>A on the coding strand, the complement: SLC20A2 is on the minus strand). VCF-style: chr8-42417915-C-T. GRCh37 (hg19) VCF-style: chr8-42275433-C-T.
Other names: c.1847G>A, p.Trp616Ter (NM_001257181.2, NM_006749.5); c.1847G>A (NM_006749.3); short protein forms W616*.
Identifiers: ClinVar variation 2019872 (VCV002019872.9), dbSNP rs2486943142, ClinGen allele CA371094204.